The following is an entry in ClinVar:

NM_023067.4(FOXL2):c.171C>G (p.Tyr57Ter)

Gene: FOXL2 (forkhead box L2; minus strand). Cytogenetic location: 3q22.3.
Variant type: single nucleotide variant.
Coding change: c.171C>G on transcript NM_023067.4 (MANE Select); coding-DNA position 171, C replaced by G.
Protein change: p.Tyr57Ter; replaces tyrosine 57 with a stop codon.
Molecular consequence: nonsense.
Genome position (GRCh38, 1-based): chr3:138,946,552, G>C on the plus strand (C>G on the coding strand, the complement: FOXL2 is on the minus strand). VCF-style: chr3-138946552-G-C. GRCh37 (hg19) VCF-style: chr3-138665394-G-C.
Other names: short protein forms Y57*.
Identifiers: ClinVar variation 369888 (VCV000369888.1), dbSNP rs1057516141, ClinGen allele CA10654906.

ClinVar aggregate classification (germline): Pathogenic (1 of 4 stars; one submission).

Conditions:
Blepharophimosis, ptosis, and epicanthus inversus syndrome. Identifiers: Orphanet 126, MedGen C0220663, MONDO:0007201, OMIM 110100.

Submission:

Genomic Diagnostic Laboratory, Division of Genomic Diagnostics, Children's Hospital of Philadelphia
Classification: Pathogenic for Blepharophimosis, ptosis, and epicanthus inversus syndrome. Last evaluated: 2016-11-03. Review status: criteria provided, single submitter. Criteria: DGD Variant Analysis Guidelines. Collection method: clinical testing. Allele origin: germline. Affected: yes. Observed: 1 variant allele.
Comment: Clinical Testing